The following is an entry in ClinVar:

NM_173628.4(DNAH17):c.4639C>A (p.Pro1547Thr)

Genes: DNAH17 (dynein axonemal heavy chain 17; minus strand), LOC126862654 (MED14-independent group 3 enhancer GRCh37_chr17:76502868-76504067; plus strand). Cytogenetic location: 17q25.3.
Variant type: single nucleotide variant.
Coding change: c.4639C>A on transcript NM_173628.4 (MANE Select); coding-DNA position 4639, C replaced by A.
Protein change: p.Pro1547Thr; replaces proline 1547 with threonine.
Molecular consequence: missense variant.
Genome position (GRCh38, 1-based): chr17:78,507,315, G>T on the plus strand (C>A on the coding strand, the complement: DNAH17 is on the minus strand). VCF-style: chr17-78507315-G-T. GRCh37 (hg19) VCF-style: chr17-76503397-G-T.
Other names: short protein forms P1547T.
Identifiers: ClinVar variation 1269914 (VCV001269914.4), dbSNP rs61737666, ClinGen allele CA8803675.

ClinVar aggregate classification (germline): Benign. Review status: criteria provided, multiple submitters, no conflicts (2 of 4 stars). 3 submissions from 3 submitters: Benign (2). 1 of the submissions does not count toward it. Last evaluated 2021-05-04.

Conditions:
DNAH17-related disorder. Also called: DNAH17-related condition.

Allele frequency attached by ClinVar (database versions not stated): 1000 Genomes Project 0.02296; ESP Exome Variant Server 0.02379; TOPMed 0.02551; 1000 Genomes Project 30x 0.02561.
gnomAD v4.1: 6,625 of 1,613,998 alleles (0.41%); highest among the groups gnomAD compares: African/African-American, 7.5%; 215 homozygotes.

Submissions (3):

GeneDx
Classification: Benign. Last evaluated: 2021-05-04. Review status: criteria provided, single submitter. Criteria: GeneDx Variant Classification Process June 2021. Collection method: clinical testing. Allele origin: germline. Affected: yes.

Breakthrough Genomics
Classification: Benign. Review status: criteria provided, single submitter. Criteria: ACMG Guidelines, 2015. Collection method: not provided. Allele origin: germline. Inheritance: Autosomal recessive inheritance. Affected: yes.

PreventionGenetics, part of Exact Sciences
Classification: Benign for DNAH17-related condition. Last evaluated: 2019-06-04. Review status: no assertion criteria provided. Collection method: clinical testing. Allele origin: germline. Not counted in ClinVar's aggregate classification.
Comment: This variant is classified as benign based on ACMG/AMP sequence variant interpretation guidelines (Richards et al. 2015 PMID: 25741868, with internal and published modifications).